The following is an entry in ClinVar:

ClinVar aggregate classification (germline): Uncertain significance (1 of 4 stars; one submission).

Conditions:
Peroxisome biogenesis disorder, complementation group K (CGK). Identifiers: MedGen C1866257, MONDO:0800365.

Allele frequency attached by ClinVar (database versions not stated): TOPMed 0.00002; gnomAD 0.00001.
gnomAD v4.1: 137 of 1,613,816 alleles (0.0085%); highest among the groups gnomAD compares: Non-Finnish European, 0.011%; no homozygotes.

Submission:

Labcorp Genetics (formerly Invitae), Labcorp
Classification: Uncertain significance for Peroxisome biogenesis disorder, complementation group K. Last evaluated: 2023-12-18. Review status: criteria provided, single submitter. Criteria: Invitae Variant Classification Sherloc (09022015). Collection method: clinical testing. Allele origin: germline.
Comment: This sequence change replaces alanine, which is neutral and non-polar, with threonine, which is neutral and polar, at codon 111 of the PEX14 protein (p.Ala111Thr). This variant is present in population databases (rs758492014, gnomAD 0.006%). This variant has not been reported in the literature in individuals affected with PEX14-related conditions. ClinVar contains an entry for this variant (Variation ID: 947917). Advanced modeling of protein sequence and biophysical properties (such as structural, functional, and spatial information, amino acid conservation, physicochemical variation, residue mobility, and thermodynamic stability) performed at Invitae indicates that this missense variant is expected to disrupt PEX14 protein function with a positive predictive value of 80%. In summary, the available evidence is currently insufficient to determine the role of this variant in disease. Therefore, it has been classified as a Variant of Uncertain Significance.

NM_004565.3(PEX14):c.331G>A (p.Ala111Thr)

Gene: PEX14 (peroxisomal biogenesis factor 14; plus strand). Cytogenetic location: 1p36.22.
Variant type: single nucleotide variant.
Coding change: c.331G>A on transcript NM_004565.3 (MANE Select); coding-DNA position 331, G replaced by A.
Protein change: p.Ala111Thr; replaces alanine 111 with threonine.
Molecular consequence: missense variant.
Genome position (GRCh38, 1-based): chr1:10,618,364, G>A. VCF-style: chr1-10618364-G-A. GRCh37 (hg19) VCF-style: chr1-10678421-G-A.
Other names: short protein forms A111T.
Identifiers: ClinVar variation 947917 (VCV000947917.5), dbSNP rs758492014, ClinGen allele CA583807.